The following is an entry in ClinVar:

ClinVar aggregate classification (germline): Conflicting classifications of pathogenicity. Review status: criteria provided, conflicting classifications (1 of 4 stars). 3 submissions from 3 submitters: Pathogenic (1); Uncertain significance (2). Last evaluated 2026-06-02.

Conditions:
Gastrointestinal stromal tumor. Also called: Gastrointestinal stroma tumor; Gastrointestinal stromal tumor, somatic. Identifiers: Orphanet 44890, MedGen C0238198, MeSH D046152, MONDO:0011719, OMIM 606764, HP:0100723.
Mitochondrial complex II deficiency, nuclear type 1. Also called: SUCCINATE CoQ REDUCTASE DEFICIENCY. Identifiers: Orphanet 3208, MedGen C5700310, MONDO:0100294, OMIM 252011.
Pheochromocytoma/paraganglioma syndrome 5. Also called: Paragangliomas 5; SDHA-Related Hereditary Paraganglioma-Pheochromocytoma Syndrome. Identifiers: Orphanet 29072, MedGen C3279992, MONDO:0013602, OMIM 614165.
Hereditary cancer-predisposing syndrome. Also called: Tumor predisposition; Hereditary Cancer Syndrome; Neoplastic Syndromes, Hereditary; Hereditary neoplastic syndrome. Identifiers: Orphanet 140162, MedGen C0027672, MeSH D009386, MONDO:0015356.

Submissions (3):

Ambry Genetics
Classification: Uncertain significance for Hereditary cancer-predisposing syndrome. Last evaluated: 2026-06-02. Review status: criteria provided, single submitter. Criteria: Ambry Variant Classification Scheme 2023. Collection method: clinical testing. Allele origin: germline.
Comment: The c.770G>C variant (also known as p.G257A), located in coding exon 6 of the SDHA gene, results from a G to C substitution at nucleotide position 770. The amino acid change results in glycine to alanine at codon 257, an amino acid with similar properties. However, this change occurs in the last base pair of coding exon 6, which makes it likely to have some effect on normal mRNA splicing. This nucleotide position is highly conserved in available vertebrate species. In silico splice site analysis predicts that this alteration will not have any significant effect on splicing. This amino acid position is highly conserved in available vertebrate species. In addition, as a missense substitution this is predicted to be deleterious by in silico analysis. Based on the available evidence, the clinical significance of this variant remains unclear.

Labcorp Genetics (formerly Invitae), Labcorp
Classification: Uncertain significance for Pheochromocytoma/paraganglioma syndrome 5; Mitochondrial complex II deficiency, nuclear type 1. Last evaluated: 2022-07-25. Review status: criteria provided, single submitter. Criteria: Invitae Variant Classification Sherloc (09022015). Collection method: clinical testing. Allele origin: germline.
Comment: ClinVar contains an entry for this variant (Variation ID: 1325699). In summary, the available evidence is currently insufficient to determine the role of this variant in disease. Therefore, it has been classified as a Variant of Uncertain Significance. Variants that disrupt the consensus splice site are a relatively common cause of aberrant splicing (PMID: 17576681, 9536098). Algorithms developed to predict the effect of sequence changes on RNA splicing suggest that this variant may disrupt the consensus splice site. Algorithms developed to predict the effect of missense changes on protein structure and function (SIFT, PolyPhen-2, Align-GVGD) all suggest that this variant is likely to be disruptive. This variant has not been reported in the literature in individuals affected with SDHA-related conditions. This variant is not present in population databases (gnomAD no frequency). This sequence change replaces glycine, which is neutral and non-polar, with alanine, which is neutral and non-polar, at codon 257 of the SDHA protein (p.Gly257Ala). This variant also falls at the last nucleotide of exon 6, which is part of the consensus splice site for this exon.

“Giorgio Prodi” Cancer Research Center, University of Bologna
Classification: Pathogenic for Gastrointestinal stromal tumor. Last evaluated: 2021-10-01. Review status: criteria provided, single submitter. Criteria: ACMG Guidelines, 2015. Collection method: research. Allele origin: germline. Affected: yes. Observed: 1 variant allele.

Literature cited by the submitters: PubMed 17576681 (cited by Labcorp Genetics (formerly Invitae), Labcorp); PubMed 9536098 (cited by Labcorp Genetics (formerly Invitae), Labcorp).

NM_004168.4(SDHA):c.770G>C (p.Gly257Ala)

Gene: SDHA (succinate dehydrogenase complex flavoprotein subunit A; plus strand). Cytogenetic location: 5p15.33.
Variant type: single nucleotide variant.
Coding change: c.770G>C on transcript NM_004168.4 (MANE Select); coding-DNA position 770, G replaced by C.
Protein change: p.Gly257Ala; replaces glycine 257 with alanine.
Molecular consequence: missense variant.
Genome position (GRCh38, 1-based): chr5:228,333, G>C. VCF-style: chr5-228333-G-C. GRCh37 (hg19) VCF-style: chr5-228448-G-C.
Other names: c.626G>C, p.Gly209Ala (NM_001294332.2); c.770G>C, p.Gly257Ala (NM_001330758.2); c.770G>C (NM_004168.2); short protein forms G209A, G257A.
Identifiers: ClinVar variation 1325699 (VCV001325699.10), dbSNP rs749566947, ClinGen allele CA359011267.